The following is an entry in ClinVar:

NM_000179.3(MSH6):c.3809T>A (p.Met1270Lys)

Gene: MSH6 (mutS homolog 6; plus strand). Cytogenetic location: 2p16.3.
Variant type: single nucleotide variant.
Coding change: c.3809T>A on transcript NM_000179.3 (MANE Select); coding-DNA position 3809, T replaced by A.
Protein change: p.Met1270Lys; replaces methionine 1270 with lysine.
Molecular consequence: missense variant.
Genome position (GRCh38, 1-based): chr2:47,806,459, T>A. VCF-style: chr2-47806459-T-A. GRCh37 (hg19) VCF-style: chr2-48033598-T-A.
Other names: c.3419T>A, p.Met1140Lys (NM_001281492.2); c.2903T>A, p.Met968Lys (NM_001281493.2, NM_001281494.2); short protein forms M1270K, M1140K, M968K.
Identifiers: ClinVar variation 479931 (VCV000479931.17), dbSNP rs777617756, ClinGen allele CA072169.

ClinVar aggregate classification (germline): Conflicting classifications of pathogenicity. Review status: criteria provided, conflicting classifications (1 of 4 stars). 6 submissions from 6 submitters: Uncertain significance (5); Benign (1). Last evaluated 2025-09-18.

Conditions:
Hereditary cancer-predisposing syndrome. Also called: Hereditary Cancer Syndrome; Neoplastic Syndromes, Hereditary; Tumor predisposition; Hereditary neoplastic syndrome. Identifiers: Orphanet 140162, MedGen C0027672, MeSH D009386, MONDO:0015356.
Lynch syndrome. Identifiers: Orphanet 144, MedGen C4552100, MONDO:0005835. Disease mechanism: loss of function.
Hereditary nonpolyposis colorectal neoplasms. Identifiers: MedGen C0009405, MeSH D003123.

Allele frequency attached by ClinVar (database versions not stated): gnomAD 0.00001; TOPMed 0.00003.

Submissions (6):

Color Diagnostics, LLC DBA Color Health
Classification: Uncertain significance for Hereditary cancer-predisposing syndrome. Last evaluated: 2025-09-18. Review status: criteria provided, single submitter. Criteria: ACMG Guidelines, 2015. Collection method: clinical testing. Allele origin: germline.
Comment: This missense variant replaces methionine with lysine at codon 1270 of the MSH6 protein. Computational prediction suggests that this variant may have deleterious impact on protein structure and function. To our knowledge, functional studies have not been reported for this variant. This variant has not been reported in individuals affected with MSH6-related disorders in the literature. This variant has been identified in 1/251042 chromosomes in the general population by the Genome Aggregation Database (gnomAD). The available evidence is insufficient to determine the role of this variant in disease conclusively. Therefore, this variant is classified as a Variant of Uncertain Significance.

Labcorp Genetics (formerly Invitae), Labcorp
Classification: Benign for Hereditary nonpolyposis colorectal neoplasms. Last evaluated: 2025-03-19. Review status: criteria provided, single submitter. Criteria: Invitae Variant Classification Sherloc (09022015). Collection method: clinical testing. Allele origin: germline.

Ambry Genetics
Classification: Uncertain significance for Hereditary cancer-predisposing syndrome. Last evaluated: 2024-12-10. Review status: criteria provided, single submitter. Criteria: Ambry Variant Classification Scheme 2023. Collection method: clinical testing. Allele origin: germline.
Comment: The p.M1270K variant (also known as c.3809T>A), located in coding exon 9 of the MSH6 gene, results from a T to A substitution at nucleotide position 3809. The methionine at codon 1270 is replaced by lysine, an amino acid with similar properties. This amino acid position is highly conserved in available vertebrate species. In addition, this alteration is predicted to be deleterious by in silico analysis. Since supporting evidence is limited at this time, the clinical significance of this alteration remains unclear.

All of Us Research Program, National Institutes of Health
Classification: Uncertain significance for Lynch syndrome. Last evaluated: 2024-03-05. Review status: criteria provided, single submitter. Criteria: ACMG Guidelines, 2015. Collection method: clinical testing. Allele origin: germline. Inheritance: Autosomal dominant inheritance. Observed: 1 variant allele, 1 heterozygote.
Comment: This study involves interpretation of variants in research participants for the purpose of population health screening. Participant phenotype was not available at the time of variant classification. Additional details can be found in publication PMID: 35346344, PMCID: PMC8962531

GeneDx
Classification: Uncertain significance. Last evaluated: 2023-02-10. Review status: criteria provided, single submitter. Criteria: GeneDx Variant Classification Process June 2021. Collection method: clinical testing. Allele origin: germline. Affected: yes.
Comment: Not observed at significant frequency in large population cohorts (gnomAD); In silico analysis supports that this missense variant has a deleterious effect on protein structure/function; Has not been previously published as pathogenic or benign to our knowledge; This variant is associated with the following publications: (PMID: 22949387, 17531815, 21120944, 31257224)

Women's Health and Genetics/Laboratory Corporation of America, LabCorp
Classification: Uncertain significance. Last evaluated: 2020-02-07. Review status: criteria provided, single submitter. Criteria: LabCorp Variant Classification Summary - May 2015. Collection method: clinical testing. Allele origin: germline.
Comment: Variant summary: MSH6 c.3809T>A (p.Met1270Lys) results in a non-conservative amino acid change located in the DNA mismatch repair protein MutS, C-terminal domain of the encoded protein sequence. Five of five in-silico tools predict a damaging effect of the variant on protein function. The variant allele was found at a frequency of 4e-06 in 251042 control chromosomes. The available data on variant occurrences in the general population are insufficient to allow any conclusion about variant significance. To our knowledge, no occurrence of c.3809T>A in individuals affected with Lynch Syndrome and no experimental evidence demonstrating its impact on protein function have been reported. Two clinical diagnostic laboratories have submitted clinical-significance assessments for this variant to ClinVar after 2014 without evidence for independent evaluation. Both laboratories classified the variant as uncertain significance. Based on the evidence outlined above, the variant was classified as uncertain significance.